The following is an entry in ClinVar:

ClinVar aggregate classification (germline): Uncertain significance (1 of 4 stars; one submission).

Conditions:
Malignant hyperthermia, susceptibility to, 1 (MHS1). Also called: Anesthesia related hyperthermia; Malignant hyperpyrexia; Fulminating hyperpyrexia; Pharmacogenic myopathy; RYR1-Related Malignant Hyperthermia Susceptibility; Malignant hyperthermia suceptibility 1. Identifiers: Orphanet 423, MedGen C2930980, MONDO:0007783, OMIM 145600.

Allele frequency attached by ClinVar (database versions not stated): 1000 Genomes Project 30x 0.00016.

Submission:

All of Us Research Program, National Institutes of Health
Classification: Uncertain significance for Malignant hyperthermia, susceptibility to, 1. Last evaluated: 2023-05-16. Review status: criteria provided, single submitter. Criteria: ACMG Guidelines, 2015. Collection method: clinical testing. Allele origin: germline. Inheritance: Autosomal dominant inheritance. Observed: 1 variant allele, 1 heterozygote.
Comment: This missense variant replaces aspartic acid with glycine at codon 4900 of the RYR1 protein. Computational prediction suggests that this variant may have deleterious impact on protein structure and function (internally defined REVEL score threshold >= 0.7, PMID: 27666373). To our knowledge, functional studies have not been reported for this variant. This variant has not been reported in individuals affected with RYR1-related disorders in the literature. This variant has not been identified in the general population by the Genome Aggregation Database (gnomAD). The available evidence is insufficient to determine the role of this variant in disease conclusively. Therefore, this variant is classified as a Variant of Uncertain Significance.

This study involves interpretation of variants in research participants for the purpose of population health screening. Participant phenotype was not available at the time of variant classification. Additional details can be found in publication PMID: 35346344, PMCID: PMC8962531

NM_000540.3(RYR1):c.14699A>G (p.Asp4900Gly)

Gene: RYR1 (ryanodine receptor 1; plus strand). Cytogenetic location: 19q13.2.
Variant type: single nucleotide variant.
Coding change: c.14699A>G on transcript NM_000540.3 (MANE Select); coding-DNA position 14699, A replaced by G.
Protein change: p.Asp4900Gly; replaces aspartic acid 4900 with glycine.
Molecular consequence: missense variant.
Genome position (GRCh38, 1-based): chr19:38,584,995, A>G. VCF-style: chr19-38584995-A-G. GRCh37 (hg19) VCF-style: chr19-39075635-A-G.
Other names: c.14684A>G, p.Asp4895Gly (NM_001042723.2); short protein forms D4895G, D4900G.
Identifiers: ClinVar variation 3071062 (VCV003071062.1), dbSNP rs2145913141, ClinGen allele CA405690333.